The following is an entry in ClinVar:

ClinVar aggregate classification (germline): Uncertain significance. Review status: criteria provided, multiple submitters, no conflicts (2 of 4 stars). 4 submissions from 4 submitters: Uncertain significance (4). Last evaluated 2026-02-03.

Conditions:
Polyposis syndrome, hereditary mixed, 2. Identifiers: Orphanet 157794, MedGen C1864730, MONDO:0012405, OMIM 610069.
Hereditary cancer-predisposing syndrome. Also called: Neoplastic Syndromes, Hereditary; Hereditary neoplastic syndrome; Hereditary Cancer Syndrome; Tumor predisposition. Identifiers: Orphanet 140162, MedGen C0027672, MeSH D009386, MONDO:0015356.
Juvenile polyposis syndrome (JPS). Identifiers: Orphanet 2929, MedGen C0345893, MONDO:0017380, OMIM 174900.

Submissions (4):

Labcorp Genetics (formerly Invitae), Labcorp
Classification: Uncertain significance for Juvenile polyposis syndrome. Last evaluated: 2026-02-03. Review status: criteria provided, single submitter. Criteria: Invitae Variant Classification Sherloc (09022015). Collection method: clinical testing. Allele origin: germline.
Comment: This sequence change replaces glycine, which is neutral and non-polar, with arginine, which is basic and polar, at codon 34 of the BMPR1A protein (p.Gly34Arg). This variant is not present in population databases (gnomAD no frequency). This variant has not been reported in the literature in individuals affected with BMPR1A-related conditions. ClinVar contains an entry for this variant (Variation ID: 655397). Invitae Evidence Modeling of protein sequence and biophysical properties (such as structural, functional, and spatial information, amino acid conservation, physicochemical variation, residue mobility, and thermodynamic stability) has been performed for this missense variant. However, the output from this modeling did not meet the statistical confidence thresholds required to predict the impact of this variant on BMPR1A protein function. In summary, the available evidence is currently insufficient to determine the role of this variant in disease. Therefore, it has been classified as a Variant of Uncertain Significance.

Color Diagnostics, LLC DBA Color Health
Classification: Uncertain significance for Hereditary cancer-predisposing syndrome. Last evaluated: 2025-10-03. Review status: criteria provided, single submitter. Criteria: ACMG Guidelines, 2015. Collection method: clinical testing. Allele origin: germline.
Comment: This missense variant replaces glycine with arginine at codon 34 of the BMPR1A protein. Computational prediction suggests that this variant may not impact protein structure and function. To our knowledge, functional studies have not been reported for this variant. This variant has not been reported in individuals affected with BMPR1A-related disorders in the literature. This variant has not been identified in the general population by the Genome Aggregation Database (gnomAD). The available evidence is insufficient to determine the role of this variant in disease conclusively. Therefore, this variant is classified as a Variant of Uncertain Significance.

Ambry Genetics
Classification: Uncertain significance for Hereditary cancer-predisposing syndrome. Last evaluated: 2024-06-09. Review status: criteria provided, single submitter. Criteria: Ambry Variant Classification Scheme 2023. Collection method: clinical testing. Allele origin: germline.
Comment: The p.G34R variant (also known as c.100G>A), located in coding exon 2 of the BMPR1A gene, results from a G to A substitution at nucleotide position 100. The glycine at codon 34 is replaced by arginine, an amino acid with dissimilar properties. This amino acid position is well conserved in available vertebrate species. In addition, the in silico prediction for this alteration is inconclusive. Since supporting evidence is limited at this time, the clinical significance of this alteration remains unclear.

Baylor Genetics
Classification: Uncertain significance for Polyposis syndrome, hereditary mixed, 2. Last evaluated: 2023-05-18. Review status: criteria provided, single submitter. Criteria: ACMG Guidelines, 2015. Collection method: clinical testing. Allele origin: unknown.

NM_004329.3(BMPR1A):c.100G>A (p.Gly34Arg)

Gene: BMPR1A (bone morphogenetic protein receptor type 1A; plus strand). Cytogenetic location: 10q23.2.
Variant type: single nucleotide variant.
Coding change: c.100G>A on transcript NM_004329.3 (MANE Select); coding-DNA position 100, G replaced by A.
Protein change: p.Gly34Arg; replaces glycine 34 with arginine.
Molecular consequence: missense variant.
Genome position (GRCh38, 1-based): chr10:86,890,094, G>A. VCF-style: chr10-86890094-G-A. GRCh37 (hg19) VCF-style: chr10-88649851-G-A.
Other names: short protein forms G34R.
Identifiers: ClinVar variation 655397 (VCV000655397.15), dbSNP rs1589763328, ClinGen allele CA377446366.